The following is an entry in ClinVar:

ClinVar aggregate classification (germline): Conflicting classifications of pathogenicity. Review status: criteria provided, conflicting classifications (1 of 4 stars). 4 submissions from 4 submitters: Uncertain significance (3); Likely benign (1). Last evaluated 2025-09-16.

Conditions:
Hereditary cancer-predisposing syndrome. Also called: Neoplastic Syndromes, Hereditary; Tumor predisposition; Hereditary Cancer Syndrome; Hereditary neoplastic syndrome. Identifiers: Orphanet 140162, MedGen C0027672, MeSH D009386, MONDO:0015356.
Hereditary breast ovarian cancer syndrome. Also called: BRCA1- and BRCA2-Associated Hereditary Breast and Ovarian Cancer; Hereditary breast and ovarian cancer syndrome; Hereditary breast and ovarian cancer; Hereditary breast and ovarian cancer syndrome (HBOC); Breast and ovarian cancer; Hereditary breast and/or ovarian cancer syndrome. Identifiers: Orphanet 145, MedGen C0677776, MeSH D061325, MONDO:0003582. Disease mechanism: loss of function.

Submissions (4):

Color Diagnostics, LLC DBA Color Health
Classification: Uncertain significance for Hereditary cancer-predisposing syndrome. Last evaluated: 2025-09-16. Review status: criteria provided, single submitter. Criteria: ACMG Guidelines, 2015. Collection method: clinical testing. Allele origin: germline.
Comment: This missense variant replaces cysteine with phenylalanine at codon 644 of the BRCA1 protein. Computational prediction is inconclusive regarding the impact of this variant on protein structure and function. To our knowledge, functional studies have not been reported for this variant. A multifactorial analysis has reached a combined likelihood ratio (LR) of 0.13 based on reported LR for co-occurrence with a pathogenic variant and/or segregation and personal and family history for 1 carrier (PMID: 31853058). This variant has not been identified in the general population by the Genome Aggregation Database (gnomAD). The available evidence is insufficient to determine the role of this variant in disease conclusively. Therefore, this variant is classified as a Variant of Uncertain Significance.

Labcorp Genetics (formerly Invitae), Labcorp
Classification: Uncertain significance for Hereditary breast ovarian cancer syndrome. Last evaluated: 2025-07-17. Review status: criteria provided, single submitter. Criteria: Invitae Variant Classification Sherloc (09022015). Collection method: clinical testing. Allele origin: germline.
Comment: This sequence change replaces cysteine, which is neutral and slightly polar, with phenylalanine, which is neutral and non-polar, at codon 644 of the BRCA1 protein (p.Cys644Phe). This variant is not present in population databases (gnomAD no frequency). This missense change has been observed in individual(s) with clinical features of BRCA1-related conditions (PMID: 21520333). ClinVar contains an entry for this variant (Variation ID: 230514). Invitae Evidence Modeling of protein sequence and biophysical properties (such as structural, functional, and spatial information, amino acid conservation, physicochemical variation, residue mobility, and thermodynamic stability) indicates that this missense variant is not expected to disrupt BRCA1 protein function with a negative predictive value of 80%. In summary, the available evidence is currently insufficient to determine the role of this variant in disease. Therefore, it has been classified as a Variant of Uncertain Significance.

Ambry Genetics
Classification: Uncertain significance for Hereditary cancer-predisposing syndrome. Last evaluated: 2023-10-25. Review status: criteria provided, single submitter. Criteria: Ambry Variant Classification Scheme 2023. Collection method: clinical testing. Allele origin: germline.
Comment: The p.C644F variant (also known as c.1931G>T), located in coding exon 9 of the BRCA1 gene, results from a G to T substitution at nucleotide position 1931. The cysteine at codon 644 is replaced by phenylalanine, an amino acid with highly dissimilar properties. This amino acid position is not well conserved in available vertebrate species. In addition, this alteration is predicted to be deleterious by in silico analysis. Since supporting evidence is limited at this time, the clinical significance of this alteration remains unclear.

University of Washington Department of Laboratory Medicine, University of Washington
Classification: Likely benign for Hereditary cancer-predisposing syndrome. Last evaluated: 2023-03-23. Review status: criteria provided, single submitter. Criteria: Dines et al. (Genet Med. 2020). Collection method: curation. Allele origin: germline.
Comment: Missense variant in a coldspot region where missense variants are very unlikely to be pathogenic (PMID:31911673).

BRCA1 coldspot (exon 11 using historical exon numbering). Reclassification based on statistical prior probability

Literature cited by the submitters: PubMed 31853058 (cited by Color Diagnostics, LLC DBA Color Health); PubMed 21520333 (cited by Labcorp Genetics (formerly Invitae), Labcorp).

NM_007294.4(BRCA1):c.1931G>T (p.Cys644Phe)

Gene: BRCA1 (BRCA1 DNA repair associated; minus strand). Cytogenetic location: 17q21.31.
Variant type: single nucleotide variant.
Coding change: c.1931G>T on transcript NM_007294.4 (MANE Select); coding-DNA position 1931, G replaced by T.
Protein change: p.Cys644Phe; replaces cysteine 644 with phenylalanine.
Molecular consequence: missense variant. On other transcripts: intron variant (137).
Genome position (GRCh38, 1-based): chr17:43,093,600, C>A on the plus strand (G>T on the coding strand, the complement: BRCA1 is on the minus strand). VCF-style: chr17-43093600-C-A. GRCh37 (hg19) VCF-style: chr17-41245617-C-A.
Other names: c.1667G>T, p.Cys556Phe (NM_001407920.1, NM_001407921.1, NM_001407925.1 and 9 more transcripts); c.1931G>T, p.Cys644Phe (NM_001407582.1, NM_001407583.1, NM_001407585.1 and 30 more transcripts); c.1718G>T, p.Cys573Phe (NM_001407571.1, NM_001407853.1, NM_001407894.1 and 9 more transcripts); c.664+1144G>T (NM_001408426.1, NM_001408436.1, NM_001408444.1 and 12 more transcripts); c.787+1144G>T (NM_001407982.1, NM_001407970.1, NM_001407980.1 and 19 more transcripts); c.1928G>T, p.Cys643Phe (NM_001407587.1, NM_001407590.1, NM_001407591.1 and 22 more transcripts); c.1922G>T, p.Cys641Phe (NM_001407646.1, NM_001407647.1); c.1808G>T, p.Cys603Phe (NM_001407648.1, NM_001407664.1, NM_001407665.1 and 19 more transcripts); and 40 more; short protein forms C644F, C597F, C533F, C556F, C576F, C577F, C596F, C643F.
Identifiers: ClinVar variation 230514 (VCV000230514.15), dbSNP rs876658606, ClinGen allele CA10580642.
Genomic context (GRCh38, chr17:43,093,600, plus strand): 5'-CTGCTGTGCCTGACTGGCATTTGGTTGTACTTTTTTTTCTTTATCTCTTCACTGCTAGAA[C>A]AACTATCAATTTGCAATTCAGTACAATTAGGTGGGCTTAGATTTCTACTGACTACTAGTT-3'
Protein context (NP_009225.1, residues 634-654): PNCTELQIDS[Cys644Phe]SSSEEIKKKK